The following is an entry in ClinVar:

ClinVar aggregate classification (germline): Uncertain significance (1 of 4 stars; one submission).

Allele frequency attached by ClinVar (database versions not stated): gnomAD exomes below 0.00001.
gnomAD v4.1: 2 of 1,612,848 alleles (0.00012%); highest among the groups gnomAD compares: Non-Finnish European, 0.00017%; no homozygotes.

Submission:

GeneDx
Classification: Uncertain significance. Last evaluated: 2022-10-26. Review status: criteria provided, single submitter. Criteria: GeneDx Variant Classification Process June 2021. Collection method: clinical testing. Allele origin: germline. Affected: yes.
Comment: Not observed at significant frequency in large population cohorts (gnomAD); In silico analysis supports that this missense variant has a deleterious effect on protein structure/function; Has not been previously published as pathogenic or benign to our knowledge

NM_001318852.2(MAPK8IP3):c.2992A>C (p.Lys998Gln)

Gene: MAPK8IP3 (mitogen-activated protein kinase 8 interacting protein 3; plus strand). Cytogenetic location: 16p13.3.
Variant type: single nucleotide variant.
Coding change: c.2992A>C on transcript NM_001318852.2 (MANE Select); coding-DNA position 2992, A replaced by C.
Protein change: p.Lys998Gln; replaces lysine 998 with glutamine.
Molecular consequence: missense variant.
Genome position (GRCh38, 1-based): chr16:1,766,775, A>C. VCF-style: chr16-1766775-A-C. GRCh37 (hg19) VCF-style: chr16-1816776-A-C.
Other names: c.2971A>C, p.Lys991Gln (NM_001040439.2); c.2989A>C, p.Lys997Gln (NM_015133.5, NM_033392.3); short protein forms K991Q, K997Q, K998Q.
Identifiers: ClinVar variation 2500499 (VCV002500499.1), dbSNP rs2548112194, ClinGen allele CA394236969.